The following is an entry in ClinVar:

ClinVar aggregate classification (germline): Conflicting classifications of pathogenicity. Review status: criteria provided, conflicting classifications (1 of 4 stars). 3 submissions from 3 submitters: Uncertain significance (1); Likely benign (1). 1 of the submissions does not count toward it. Last evaluated 2025-12-23.

Conditions:
DNAH8-related disorder. Also called: DNAH8-related condition.
Primary ciliary dyskinesia. Also called: Ciliary dyskinesia. Identifiers: Orphanet 244, MedGen C0008780, MONDO:0016575, HP:0012265.

Allele frequency attached by ClinVar (database versions not stated): gnomAD exomes 0.00016 and 0.00052; ExAC 0.00065; gnomAD 0.00195 and 0.00188; TOPMed 0.00213; ESP Exome Variant Server 0.00215; 1000 Genomes Project 0.00319; 1000 Genomes Project 30x 0.00328.
gnomAD v4.1: 526 of 1,613,796 alleles (0.033%); highest among the groups gnomAD compares: African/African-American, 0.63%; no homozygotes.

Submissions (3):

Labcorp Genetics (formerly Invitae), Labcorp
Classification: Likely benign for Primary ciliary dyskinesia. Last evaluated: 2025-12-23. Review status: criteria provided, single submitter. Criteria: Invitae Variant Classification Sherloc (09022015). Collection method: clinical testing. Allele origin: germline.

Ambry Genetics
Classification: Uncertain significance. Last evaluated: 2025-07-31. Review status: criteria provided, single submitter. Criteria: Ambry Variant Classification Scheme 2023. Collection method: clinical testing. Allele origin: germline.

PreventionGenetics, part of Exact Sciences
Classification: Likely benign for DNAH8-related condition. Last evaluated: 2020-01-27. Review status: no assertion criteria provided. Collection method: clinical testing. Allele origin: germline. Not counted in ClinVar's aggregate classification.
Comment: This variant is classified as likely benign based on ACMG/AMP sequence variant interpretation guidelines (Richards et al. 2015 PMID: 25741868, with internal and published modifications).

NM_001206927.2(DNAH8):c.5527G>C (p.Asp1843His)

Gene: DNAH8 (dynein axonemal heavy chain 8; plus strand). Cytogenetic location: 6p21.2.
Variant type: single nucleotide variant.
Coding change: c.5527G>C on transcript NM_001206927.2 (MANE Select); coding-DNA position 5527, G replaced by C.
Protein change: p.Asp1843His; replaces aspartic acid 1843 with histidine.
Molecular consequence: missense variant.
Genome position (GRCh38, 1-based): chr6:38,852,754, G>C. VCF-style: chr6-38852754-G-C. GRCh37 (hg19) VCF-style: chr6-38820530-G-C.
Other names: c.4876G>C, p.Asp1626His (NM_001371.4); short protein forms D1843H, D1626H.
Identifiers: ClinVar variation 454581 (VCV000454581.15), dbSNP rs61758415, ClinGen allele CA3789403.